The following is an entry in ClinVar:

NM_024675.4(PALB2):c.1216G>A (p.Ala406Thr)

Gene: PALB2 (partner and localizer of BRCA2; minus strand). Cytogenetic location: 16p12.2.
Variant type: single nucleotide variant.
Coding change: c.1216G>A on transcript NM_024675.4 (MANE Select); coding-DNA position 1216, G replaced by A.
Protein change: p.Ala406Thr; replaces alanine 406 with threonine.
Molecular consequence: missense variant. On other transcripts: intron variant (3).
Genome position (GRCh38, 1-based): chr16:23,635,330, C>T on the plus strand (G>A on the coding strand, the complement: PALB2 is on the minus strand). VCF-style: chr16-23635330-C-T. GRCh37 (hg19) VCF-style: chr16-23646651-C-T.
Other names: c.1156G>A, p.Ala386Thr (NM_001407296.1); c.1216G>A, p.Ala406Thr (NM_001407297.1, NM_001407298.1, NM_001407299.1 and 3 more transcripts); c.48+5780G>A (NM_001407314.1); c.-104-4861G>A (NM_001407313.1, NM_001407312.1); c.331G>A, p.Ala111Thr (NM_001407304.1, NM_001407305.1, NM_001407306.1 and 5 more transcripts); short protein forms A406T, A111T, A386T.
Identifiers: ClinVar variation 4825306 (VCV004825306.1).
Genomic context (GRCh38, chr16:23,635,330, plus strand): 5'-CCACGGCTACTTTCCTCTGGCAATTGGACATGCTTCGTGTTGTTCTAACATAATATTCTG[C>T]AGGAAACAGAAGGCCTTCAGGCACTGTGCAAGAATGTTTTTCTGCAGAAAGAGGAGAGGT-3'
Protein context (NP_078951.2, residues 396-416): CTVPEGLLFP[Ala406Thr]EYYVRTTRSM

ClinVar aggregate classification (germline): Uncertain significance (1 of 4 stars; one submission).

Conditions:
Hereditary cancer-predisposing syndrome. Also called: Neoplastic Syndromes, Hereditary; Tumor predisposition; Hereditary Cancer Syndrome; Hereditary neoplastic syndrome. Identifiers: Orphanet 140162, MedGen C0027672, MeSH D009386, MONDO:0015356.

Submission:

Ambry Genetics
Classification: Uncertain significance for Hereditary cancer-predisposing syndrome. Last evaluated: 2026-02-09. Review status: criteria provided, single submitter. Criteria: Ambry Variant Classification Scheme 2023. Collection method: clinical testing. Allele origin: germline.
Comment: The p.A406T variant (also known as c.1216G>A), located in coding exon 4 of the PALB2 gene, results from a G to A substitution at nucleotide position 1216. The alanine at codon 406 is replaced by threonine, an amino acid with similar properties. This amino acid position is not well conserved in available vertebrate species. In addition, this alteration is predicted to be tolerated by in silico analysis. Based on the available evidence, the clinical significance of this variant remains unclear.